The following is an entry in ClinVar:

NM_005881.4(BCKDK):c.690T>G (p.Ile230Met)

Gene: BCKDK (branched chain keto acid dehydrogenase kinase; plus strand). Cytogenetic location: 16p11.2.
Variant type: single nucleotide variant.
Coding change: c.690T>G on transcript NM_005881.4 (MANE Select); coding-DNA position 690, T replaced by G.
Protein change: p.Ile230Met; replaces isoleucine 230 with methionine.
Molecular consequence: missense variant.
Genome position (GRCh38, 1-based): chr16:31,110,735, T>G. VCF-style: chr16-31110735-T-G. GRCh37 (hg19) VCF-style: chr16-31122056-T-G.
Other names: c.690T>G, p.Ile230Met (NM_001122957.4, NM_001271926.3); c.690T>G (NM_005881.2); short protein forms I230M.
Identifiers: ClinVar variation 3603979 (VCV003603979.3).
Genomic context (GRCh38, chr16:31,110,735, plus strand): 5'-TTTCTCCGGCCAGCCTGACTTTGTCGGCATCATCTGTACTCGTCTCTCACCAAAGAAGAT[T>G]ATTGAGAAGTGGGTGGACTTTGCCAGGTGAGGCAAGAATGGCTCAGGGGGTGGGCAGACA-3'
Protein context (NP_005872.2, residues 220-240): IICTRLSPKK[Ile230Met]IEKWVDFARR

ClinVar aggregate classification (germline): Uncertain significance. Review status: criteria provided, multiple submitters, no conflicts (2 of 4 stars). 2 submissions from 2 submitters: Uncertain significance (2). Last evaluated 2025-09-11.

Conditions:
Branched-chain keto acid dehydrogenase kinase deficiency (BCKDKD). Also called: BCKDK DEFICIENCY. Identifiers: Orphanet 308410, MedGen C3554078, MONDO:0013970, OMIM 614923.
Inborn genetic diseases. Identifiers: MedGen C0950123, MeSH D030342.

gnomAD v4.1: 8 of 1,613,770 alleles (0.0005%); highest among the groups gnomAD compares: Non-Finnish European, 0.00068%; no homozygotes.

Submissions (2):

Ambry Genetics
Classification: Uncertain significance for Inborn genetic diseases. Last evaluated: 2025-09-11. Review status: criteria provided, single submitter. Criteria: Ambry Variant Classification Scheme 2023. Collection method: clinical testing. Allele origin: germline.

Labcorp Genetics (formerly Invitae), Labcorp
Classification: Uncertain significance for Branched-chain keto acid dehydrogenase kinase deficiency. Last evaluated: 2024-07-20. Review status: criteria provided, single submitter. Criteria: Invitae Variant Classification Sherloc (09022015). Collection method: clinical testing. Allele origin: germline.
Comment: This sequence change replaces isoleucine, which is neutral and non-polar, with methionine, which is neutral and non-polar, at codon 230 of the BCKDK protein (p.Ile230Met). This variant is present in population databases (no rsID available, gnomAD 0.002%). This variant has not been reported in the literature in individuals affected with BCKDK-related conditions. Advanced modeling of protein sequence and biophysical properties (such as structural, functional, and spatial information, amino acid conservation, physicochemical variation, residue mobility, and thermodynamic stability) performed at Invitae indicates that this missense variant is not expected to disrupt BCKDK protein function with a negative predictive value of 80%. In summary, the available evidence is currently insufficient to determine the role of this variant in disease. Therefore, it has been classified as a Variant of Uncertain Significance.